The following is an entry in ClinVar:

ClinVar aggregate classification (germline): Uncertain significance (1 of 4 stars; one submission).

Submission:

CeGaT Center for Human Genetics Tuebingen
Classification: Uncertain significance. Last evaluated: 2025-01-01. Review status: criteria provided, single submitter. Criteria: CeGaT Center For Human Genetics Tuebingen Variant Classification Criteria Version 2. Collection method: clinical testing. Allele origin: germline. Affected: yes. Observed: 1 variant allele.
Comment: ACAD8: PM2, BP4

NM_014384.3(ACAD8):c.928G>A (p.Ala310Thr)

Gene: ACAD8 (acyl-CoA dehydrogenase family member 8; plus strand). Cytogenetic location: 11q25.
Variant type: single nucleotide variant.
Coding change: c.928G>A on transcript NM_014384.3 (MANE Select); coding-DNA position 928, G replaced by A.
Protein change: p.Ala310Thr; replaces alanine 310 with threonine.
Molecular consequence: missense variant.
Genome position (GRCh38, 1-based): chr11:134,261,361, G>A. VCF-style: chr11-134261361-G-A. GRCh37 (hg19) VCF-style: chr11-134131255-G-A.
Other names: short protein forms A310T.
Identifiers: ClinVar variation 3771911 (VCV003771911.13).
Genomic context (GRCh38, chr11:134,261,361, plus strand): 5'-GCCTCTGTCATCCTCACCCGAGACCACCTCAATGTCCGGAAGCAGTTTGGAGAGCCTCTG[G>A]CCAGTAACCAGGTAACCTCTGCCTTGCCTCCACATGGCTTTGCACTATTTGCAGCCCGGG-3'
Protein context (NP_055199.1, residues 300-320): NVRKQFGEPL[Ala310Thr]SNQYLQFTLA